The following is an entry in ClinVar:

NM_012330.4(KAT6B):c.3304G>T (p.Glu1102Ter)

Gene: KAT6B (lysine acetyltransferase 6B; plus strand). Cytogenetic location: 10q22.2.
Variant type: single nucleotide variant.
Coding change: c.3304G>T on transcript NM_012330.4 (MANE Select); coding-DNA position 3304, G replaced by T.
Protein change: p.Glu1102Ter; replaces glutamic acid 1102 with a stop codon.
Molecular consequence: nonsense.
Genome position (GRCh38, 1-based): chr10:75,022,163, G>T. VCF-style: chr10-75022163-G-T. GRCh37 (hg19) VCF-style: chr10-76781921-G-T.
Other names: c.1219G>T, p.Glu407Ter (NM_001370134.1); c.961G>T, p.Glu321Ter (NM_001370135.1); c.3304G>T, p.Glu1102Ter (NM_001370136.1, NM_001370137.1); c.2755G>T, p.Glu919Ter (NM_001256468.2, NM_001370138.1); c.2428G>T, p.Glu810Ter (NM_001256469.2, NM_001370139.1, NM_001370140.1 and 2 more transcripts); c.2266G>T, p.Glu756Ter (NM_001370132.1); c.1615G>T, p.Glu539Ter (NM_001370133.1); c.2239G>T, p.Glu747Ter (NM_001370143.1, NM_001370144.1); short protein forms E1102*, E321*, E407*, E539*, E747*, E756*, E810*, E919*.
Identifiers: ClinVar variation 4855499 (VCV004855499.1).

ClinVar aggregate classification (germline): Likely pathogenic (1 of 4 stars; one submission).

Conditions:
Blepharophimosis - intellectual disability syndrome, SBBYS type (SBBYSS). Also called: Say-Barber-Biesecker variant of Ohdo syndrome (SBBYSS); Young Simpson syndrome; Mental retardation unusual facies hypothyroidism; Ohdo syndrome, SBBYS variant; SBBYSS syndrome; Say-Barber-Biesecker-Young-Simpson syndrome. Identifiers: Orphanet 3047, MedGen C1863557, MONDO:0011365, OMIM 603736.

Submission:

3billion
Classification: Likely pathogenic for Blepharophimosis - intellectual disability syndrome, SBBYS type. Last evaluated: 2025-06-10. Review status: criteria provided, single submitter. Criteria: ACMG Guidelines, 2015. Collection method: clinical testing. Allele origin: germline. Affected: yes.
Comment: The variant is not observed in the gnomAD v4.1.0 dataset. Predicted Consequence/Location: Stop-gained (nonsense): predicted to result in a loss or disruption of normal protein function through nonsense-mediated decay (NMD) or protein truncation. Multiple pathogenic variants are reported downstream of the variant. Therefore, this variant is classified as Likely pathogenic according to the recommendation of ACMG/AMP guideline.